The following is an entry in ClinVar:

NM_006949.4(STXBP2):c.578+8_578+9insG

Gene: STXBP2 (syntaxin binding protein 2; plus strand). Cytogenetic location: 19p13.2.
Variant type: Insertion.
Coding change: c.578+8_578+9insG on transcript NM_006949.4 (MANE Select); bases 8 to 9 of the intron after coding-DNA position 578, G inserted.
Molecular consequence: intron variant.
Genome position: GRCh38 VCF-style: chr19-7641861-C-CG. GRCh37 (hg19) VCF-style: chr19-7706747-C-CG.
Other names: c.482+8_482+9insG (NM_001414484.1); c.611+8_611+9insG (NM_001272034.2); c.569+8_569+9insG (NM_001127396.3).
Identifiers: ClinVar variation 3041176 (VCV003041176.2), dbSNP rs2512695923, ClinGen allele CA2587975190.

ClinVar aggregate classification (germline): Likely benign (0 of 4 stars; one submission).

Conditions:
STXBP2-related disorder. Also called: STXBP2-related condition.

Submission:

PreventionGenetics, part of Exact Sciences
Classification: Likely benign for STXBP2-related condition. Last evaluated: 2020-09-21. Review status: no assertion criteria provided. Collection method: clinical testing. Allele origin: germline.
Comment: This variant is classified as likely benign based on ACMG/AMP sequence variant interpretation guidelines (Richards et al. 2015 PMID: 25741868, with internal and published modifications).